The following is an entry in ClinVar:

ClinVar aggregate classification (germline): Uncertain significance (1 of 4 stars; one submission).

Conditions:
Peutz-Jeghers syndrome (PJS). Also called: POLYPOSIS, HAMARTOMATOUS INTESTINAL; POLYPS-AND-SPOTS SYNDROME; Peutz-Jeghers polyposis; Periorificial lentiginosis syndrome. Identifiers: Orphanet 2869, MedGen C0031269, MeSH D010580, MONDO:0008280, OMIM 175200.

Submission:

Labcorp Genetics (formerly Invitae), Labcorp
Classification: Uncertain significance for Peutz-Jeghers syndrome. Last evaluated: 2022-11-23. Review status: criteria provided, single submitter. Criteria: Invitae Variant Classification Sherloc (09022015). Collection method: clinical testing. Allele origin: germline.
Comment: In summary, the available evidence is currently insufficient to determine the role of this variant in disease. Therefore, it has been classified as a Variant of Uncertain Significance. Advanced modeling of protein sequence and biophysical properties (such as structural, functional, and spatial information, amino acid conservation, physicochemical variation, residue mobility, and thermodynamic stability) performed at Invitae indicates that this missense variant is expected to disrupt STK11 protein function. This variant has not been reported in the literature in individuals affected with STK11-related conditions. This variant is not present in population databases (gnomAD no frequency). This sequence change replaces aspartic acid, which is acidic and polar, with alanine, which is neutral and non-polar, at codon 237 of the STK11 protein (p.Asp237Ala).

NM_000455.5(STK11):c.710A>C (p.Asp237Ala)

Gene: STK11 (serine/threonine kinase 11; plus strand). Cytogenetic location: 19p13.3.
Variant type: single nucleotide variant.
Coding change: c.710A>C on transcript NM_000455.5 (MANE Select); coding-DNA position 710, A replaced by C.
Protein change: p.Asp237Ala; replaces aspartic acid 237 with alanine.
Molecular consequence: missense variant. On other transcripts: non-coding transcript variant (1).
Genome position (GRCh38, 1-based): chr19:1,220,693, A>C. VCF-style: chr19-1220693-A-C. GRCh37 (hg19) VCF-style: chr19-1220692-A-C.
Other names: c.710A>C, p.Asp237Ala (NM_001407255.1); short protein forms D237A.
Identifiers: ClinVar variation 2815955 (VCV002815955.3), dbSNP rs1555738459, ClinGen allele CA402949909.
Genomic context (GRCh38, chr19:1,220,693, plus strand): 5'-CGGCTTTCCAGCCGCCCGAGATTGCCAACGGCCTGGACACCTTCTCCGGCTTCAAGGTGG[A>C]CATCTGGTCGGCTGGGGTCACCCTGTAAGTGCCCCGCCCCCCCGGGCACTCACCACACGC-3'
Protein context (NP_000446.1, residues 227-247): GLDTFSGFKV[Asp237Ala]IWSAGVTLYN